The following is an entry in ClinVar:

ClinVar aggregate classification (germline): Likely benign. Review status: criteria provided, single submitter (1 of 4 stars). 2 submissions from 2 submitters: Likely benign (1). 1 of the submissions does not count toward it. Last evaluated 2025-10-26.

Conditions:
TRRAP-related disorder. Also called: TRRAP-related condition.

Allele frequency attached by ClinVar (database versions not stated): TOPMed 0.00003; ExAC 0.00005; gnomAD 0.00001; 1000 Genomes Project 30x 0.00016; 1000 Genomes Project 0.00020; gnomAD exomes 0.00005.
gnomAD v4.1: 73 of 1,614,168 alleles (0.0045%); highest among the groups gnomAD compares: Admixed American, 0.012%; no homozygotes.

Submissions (2):

Labcorp Genetics (formerly Invitae), Labcorp
Classification: Likely benign. Last evaluated: 2025-10-26. Review status: criteria provided, single submitter. Criteria: Invitae Variant Classification Sherloc (09022015). Collection method: clinical testing. Allele origin: germline.

PreventionGenetics, part of Exact Sciences
Classification: Likely benign for TRRAP-related condition. Last evaluated: 2019-11-19. Review status: no assertion criteria provided. Collection method: clinical testing. Allele origin: germline. Not counted in ClinVar's aggregate classification.
Comment: This variant is classified as likely benign based on ACMG/AMP sequence variant interpretation guidelines (Richards et al. 2015 PMID: 25741868, with internal and published modifications).

NM_001375524.1(TRRAP):c.5757C>T (p.His1919=)

Gene: TRRAP (transformation/transcription domain associated protein; plus strand). Cytogenetic location: 7q22.1.
Variant type: single nucleotide variant.
Coding change: c.5757C>T on transcript NM_001375524.1 (MANE Select); coding-DNA position 5757, C replaced by T.
Protein change: p.His1919=; no amino-acid change (histidine 1919 retained).
Molecular consequence: synonymous variant.
Genome position (GRCh38, 1-based): chr7:98,955,124, C>T. VCF-style: chr7-98955124-C-T. GRCh37 (hg19) VCF-style: chr7-98552747-C-T.
Other names: c.5736C>T, p.His1912= (NM_001244580.2); c.5682C>T, p.His1894= (NM_003496.4); c.5682C>T (NM_003496.3).
Identifiers: ClinVar variation 2741738 (VCV002741738.5), dbSNP rs537405204, ClinGen allele CA4360654.